The following is an entry in ClinVar:

ClinVar aggregate classification (germline): Benign (1 of 4 stars; one submission).

Conditions:
Leigh syndrome (NULS). Also called: Leigh's necrotizing encephalopathy; Leigh's disease; Leigh Syndrome (mtDNA deletion); Leigh Disease; Subacute necrotizing encephalopathy; Necrotizing encephalopathy infantile subacute of Leigh. Identifiers: Orphanet 506, MedGen C2931891, MONDO:0009723, OMIM 256000.

Submission:

Wong Mito Lab, Molecular and Human Genetics, Baylor College of Medicine
Classification: Benign for Leigh syndrome. Last evaluated: 2019-10-17. Review status: criteria provided, single submitter. Criteria: Modified ACMG Guidelines (Unpublished). Collection method: clinical testing. Allele origin: germline.
Comment: The NC_012920.1:m.10653G>A (YP_003024034.1:p.Ala62Thr) variant in MTND4L gene is interpretated to be a Benign variant based on the modified ACMG guidelines (unpublished). This variant meets the following evidence codes: BS1, BS2, BP4

NC_012920.1(MT-ND4L):m.10653G>A

Gene: MT-ND4L (mitochondrially encoded NADH dehydrogenase 4L; plus strand).
Variant type: single nucleotide variant.
Genome position: chrM-10653-G-A.
Identifiers: ClinVar variation 693307 (VCV000693307.1), dbSNP rs386829108, ClinGen allele CA414806248.